The following is an entry in ClinVar:

NM_000059.4(BRCA2):c.3192A>G (p.Ser1064=)

Gene: BRCA2 (BRCA2 DNA repair associated; plus strand). Cytogenetic location: 13q13.1.
Variant type: single nucleotide variant.
Coding change: c.3192A>G on transcript NM_000059.4 (MANE Select); coding-DNA position 3192, A replaced by G.
Protein change: p.Ser1064=; no amino-acid change (serine 1064 retained).
Molecular consequence: synonymous variant.
Genome position (GRCh38, 1-based): chr13:32,337,547, A>G. VCF-style: chr13-32337547-A-G. GRCh37 (hg19) VCF-style: chr13-32911684-A-G.
Identifiers: ClinVar variation 415665 (VCV000415665.19), dbSNP rs1060504617, ClinGen allele CA16613869.

ClinVar aggregate classification (germline): Conflicting classifications of pathogenicity. Review status: criteria provided, conflicting classifications (1 of 4 stars). 5 submissions from 5 submitters: Uncertain significance (1); Likely benign (4). Last evaluated 2025-03-25.

Conditions:
Hereditary breast ovarian cancer syndrome. Also called: Breast and ovarian cancer; Hereditary breast and ovarian cancer; Hereditary breast and/or ovarian cancer syndrome; BRCA1- and BRCA2-Associated Hereditary Breast and Ovarian Cancer; Hereditary breast and ovarian cancer syndrome (HBOC); Hereditary breast and ovarian cancer syndrome. Identifiers: Orphanet 145, MedGen C0677776, MeSH D061325, MONDO:0003582. Disease mechanism: loss of function.
Hereditary cancer-predisposing syndrome. Also called: Tumor predisposition; Neoplastic Syndromes, Hereditary; Hereditary neoplastic syndrome; Hereditary Cancer Syndrome. Identifiers: Orphanet 140162, MedGen C0027672, MeSH D009386, MONDO:0015356.

Submissions (5):

Labcorp Genetics (formerly Invitae), Labcorp
Classification: Likely benign for Hereditary breast ovarian cancer syndrome. Last evaluated: 2025-03-25. Review status: criteria provided, single submitter. Criteria: Invitae Variant Classification Sherloc (09022015). Collection method: clinical testing. Allele origin: germline.

Women's Health and Genetics/Laboratory Corporation of America, LabCorp
Classification: Likely benign. Last evaluated: 2024-12-06. Review status: criteria provided, single submitter. Criteria: LabCorp Variant Classification Summary - May 2015. Collection method: clinical testing. Allele origin: germline.

Quest Diagnostics Nichols Institute San Juan Capistrano
Classification: Uncertain significance. Last evaluated: 2024-12-03. Review status: criteria provided, single submitter. Criteria: Quest Diagnostics criteria. Collection method: clinical testing. Allele origin: unknown.
Comment: The BRCA2 c.3192A>G (p.Ser1064=) synonymous variant has not been reported in individuals with BRCA2-related conditions in the published literature. It also has not been reported in large, multi-ethnic general populations (Genome Aggregation Database). Analysis of this variant using software algorithms for the prediction of the effect of nucleotide changes on splicing yielded predictions that this variant does not affect BRCA2 mRNA splicing. Based on the available information, we are unable to determine the clinical significance of this variant.

Ambry Genetics
Classification: Likely benign for Hereditary cancer-predisposing syndrome. Last evaluated: 2019-06-11. Review status: criteria provided, single submitter. Criteria: Ambry Variant Classification Scheme 2023. Collection method: clinical testing. Allele origin: germline.

Color Diagnostics, LLC DBA Color Health
Classification: Likely benign for Hereditary cancer-predisposing syndrome. Last evaluated: 2018-11-26. Review status: criteria provided, single submitter. Criteria: ACMG Guidelines, 2015. Collection method: clinical testing. Allele origin: germline.

Literature cited by the submitters: PubMed 30702160 (cited by Quest Diagnostics Nichols Institute San Juan Capistrano).